The following is an entry in ClinVar:

ClinVar aggregate classification (germline): Uncertain significance (1 of 4 stars; one submission).

Conditions:
BBS12-related disorder. Also called: BBS12-related condition.

gnomAD v4.1: 1 of 1,614,228 alleles (0.000062%); highest among the groups gnomAD compares: Non-Finnish European, 0.000085%; no homozygotes.

Submission:

PreventionGenetics, part of Exact Sciences
Classification: Uncertain significance for BBS12-related condition. Last evaluated: 2025-05-12. Review status: criteria provided, single submitter. Criteria: ACMG Guidelines, 2015. Collection method: clinical testing. Allele origin: germline.
Comment: The BBS12 c.1594G>C variant is predicted to result in the amino acid substitution p.Glu532Gln. To our knowledge, this variant has not been reported in the literature or in a large population database (gnomAD), indicating this variant is rare. At this time, the clinical significance of this variant is uncertain due to the absence of conclusive functional and genetic evidence.

NM_152618.3(BBS12):c.1594G>C (p.Glu532Gln)

Gene: BBS12 (Bardet-Biedl syndrome 12; plus strand). Cytogenetic location: 4q27.
Variant type: single nucleotide variant.
Coding change: c.1594G>C on transcript NM_152618.3 (MANE Select); coding-DNA position 1594, G replaced by C.
Protein change: p.Glu532Gln; replaces glutamic acid 532 with glutamine.
Molecular consequence: missense variant.
Genome position (GRCh38, 1-based): chr4:122,743,486, G>C. VCF-style: chr4-122743486-G-C. GRCh37 (hg19) VCF-style: chr4-123664641-G-C.
Other names: c.1594G>C, p.Glu532Gln (NM_001178007.2); short protein forms E532Q.
Identifiers: ClinVar variation 4998632 (VCV004998632.1).